The following is an entry in ClinVar:

NM_000382.3(ALDH3A2):c.734A>C (p.Asp245Ala)

Gene: ALDH3A2 (aldehyde dehydrogenase 3 family member A2; plus strand). Cytogenetic location: 17p11.2.
Variant type: single nucleotide variant.
Coding change: c.734A>C on transcript NM_000382.3 (MANE Select); coding-DNA position 734, A replaced by C.
Protein change: p.Asp245Ala; replaces aspartic acid 245 with alanine.
Molecular consequence: missense variant.
Genome position (GRCh38, 1-based): chr17:19,657,798, A>C. VCF-style: chr17-19657798-A-C. GRCh37 (hg19) VCF-style: chr17-19561111-A-C.
Other names: c.734A>C, p.Asp245Ala (NM_001031806.2, NM_001369136.1, NM_001369137.2 and 3 more transcripts); c.155A>C, p.Asp52Ala (NM_001369148.2); short protein forms D245A, D52A.
Identifiers: ClinVar variation 1484478 (VCV001484478.6), dbSNP rs2152328756, ClinGen allele CA398706813.

ClinVar aggregate classification (germline): Likely pathogenic (1 of 4 stars; one submission).

gnomAD v4.1: 1 of 1,614,136 alleles (0.000062%); highest among the groups gnomAD compares: Non-Finnish European, 0.000085%; no homozygotes.

Submission:

Labcorp Genetics (formerly Invitae), Labcorp
Classification: Likely pathogenic. Last evaluated: 2023-11-01. Review status: criteria provided, single submitter. Criteria: Invitae Variant Classification Sherloc (09022015). Collection method: clinical testing. Allele origin: germline.
Comment: This sequence change replaces aspartic acid, which is acidic and polar, with alanine, which is neutral and non-polar, at codon 245 of the ALDH3A2 protein (p.Asp245Ala). This variant is not present in population databases (gnomAD no frequency). This variant has not been reported in the literature in individuals affected with ALDH3A2-related conditions. ClinVar contains an entry for this variant (Variation ID: 1484478). Advanced modeling of protein sequence and biophysical properties (such as structural, functional, and spatial information, amino acid conservation, physicochemical variation, residue mobility, and thermodynamic stability) performed at Invitae indicates that this missense variant is expected to disrupt ALDH3A2 protein function with a positive predictive value of 95%. This variant disrupts the p.Asp245 amino acid residue in ALDH3A2. Other variant(s) that disrupt this residue have been determined to be pathogenic (PMID: 9829906, 10577908, 29183715). This suggests that this residue is clinically significant, and that variants that disrupt this residue are likely to be disease-causing. In summary, the currently available evidence indicates that the variant is pathogenic, but additional data are needed to prove that conclusively. Therefore, this variant has been classified as Likely Pathogenic.

Literature cited by the submitters: PubMed 9829906; PubMed 10577908; PubMed 29183715.